The following is an entry in ClinVar:

NM_001394372.1(BICRA):c.2580G>A (p.Pro860=)

Gene: BICRA (BRD4 interacting chromatin remodeling complex associated protein; plus strand). Cytogenetic location: 19q13.33.
Variant type: single nucleotide variant.
Coding change: c.2580G>A on transcript NM_001394372.1 (MANE Select); coding-DNA position 2580, G replaced by A.
Protein change: p.Pro860=; no amino-acid change (proline 860 retained).
Molecular consequence: synonymous variant.
Genome position (GRCh38, 1-based): chr19:47,694,411, G>A. VCF-style: chr19-47694411-G-A. GRCh37 (hg19) VCF-style: chr19-48197668-G-A.
Other names: c.2580G>A, p.Pro860= (NM_015711.3).
Identifiers: ClinVar variation 4281053 (VCV004281053.8).

ClinVar aggregate classification (germline): Likely benign. Review status: criteria provided, multiple submitters, no conflicts (2 of 4 stars). 2 submissions from 2 submitters: Likely benign (2). Last evaluated 2025-09-01.

gnomAD v4.1: 39 of 930,876 alleles (0.0042%); highest among the groups gnomAD compares: Admixed American, 0.051%; no homozygotes.

Submissions (2):

CeGaT Center for Human Genetics Tuebingen
Classification: Likely benign. Last evaluated: 2025-09-01. Review status: criteria provided, single submitter. Criteria: CeGaT Center For Human Genetics Tuebingen Variant Classification Criteria Version 2. Collection method: clinical testing. Allele origin: germline. Affected: yes. Observed: 1 variant allele.
Comment: BICRA: BP4, BP7

Blueprint Genetics
Classification: Likely benign. Last evaluated: 2022-12-26. Review status: criteria provided, single submitter. Criteria: ACMG Guidelines, 2015. Collection method: clinical testing. Allele origin: germline.